The following is an entry in ClinVar:

NM_000166.6(GJB1):c.8G>A (p.Trp3Ter)

Gene: GJB1 (gap junction protein beta 1; plus strand). Cytogenetic location: Xq13.1.
Variant type: single nucleotide variant.
Coding change: c.8G>A on transcript NM_000166.6 (MANE Select); coding-DNA position 8, G replaced by A.
Protein change: p.Trp3Ter; replaces tryptophan 3 with a stop codon.
Molecular consequence: nonsense.
Genome position (GRCh38, 1-based): chrX:71,223,715, G>A. VCF-style: chrX-71223715-G-A. GRCh37 (hg19) VCF-style: chrX-70443565-G-A.
Other names: c.8G>A, p.Trp3Ter (NM_001097642.3); short protein forms W3*.
Identifiers: ClinVar variation 543927 (VCV000543927.7), dbSNP rs1555936989, ClinGen allele CA413499283.

ClinVar aggregate classification (germline): Pathogenic. Review status: criteria provided, single submitter (1 of 4 stars). 3 submissions from 3 submitters: Pathogenic (1). 2 of the submissions do not count toward it. Last evaluated 2017-09-20.

Conditions:
Charcot-Marie-Tooth disease. Also called: Charcot-Marie-Tooth Neuropathy; Charcot-Marie-Tooth Hereditary Neuropathy. Identifiers: Orphanet 166, MedGen C0007959, MONDO:0015626.
Charcot-Marie-Tooth Neuropathy X. Identifiers: MedGen CN118851.
Charcot-Marie-Tooth disease X-linked dominant 1. Also called: Charcot-Marie-Tooth Neuropathy X Type 1; GJB1 Disorders: Charcot-Marie-Tooth Neuropathy (CMT1X) and Central Nervous System Phenotypes; CHARCOT-MARIE-TOOTH NEUROPATHY, X-LINKED, 1; CHARCOT-MARIE-TOOTH PERONEAL MUSCULAR ATROPHY, X-LINKED; HEREDITARY MOTOR AND SENSORY NEUROPATHY, X-LINKED; HMSN, X-LINKED. Identifiers: Orphanet 101075, MedGen C0393808, MONDO:0010549, OMIM 302800.

Submissions (3):

Labcorp Genetics (formerly Invitae), Labcorp
Classification: Pathogenic for Charcot-Marie-Tooth Neuropathy X. Last evaluated: 2017-09-20. Review status: criteria provided, single submitter. Criteria: Invitae Variant Classification Sherloc (09022015). Collection method: clinical testing. Allele origin: germline.
Comment: For these reasons, this variant has been classified as Pathogenic. Several truncations downstream of this variant (p.Tyr65* and p.Arg220*) have been determined to be pathogenic (PMID: 224645664, 7477983, 9364054). This suggests that deletion of this region of the GJB1 protein is causative of disease. This sequence change results in a premature translational stop signal in the GJB1 gene (p.Trp3*). While this is not anticipated to result in nonsense mediated decay, it is expected to delete the last 281 amino acids (99%) of the GJB1 protein. This variant is not present in population databases (ExAC no frequency). This variant has been reported in several individuals affected with Charcot-Marie-Tooth disease, type X1 (PMID: 22464564, 27088055, 27804109).

Inherited Neuropathy Consortium Ii, University Of Miami
Classification: Uncertain significance for Charcot-Marie-Tooth disease X-linked dominant 1. Last evaluated: 2016-01-06. Review status: no assertion criteria provided. Collection method: literature only. Allele origin: germline. Affected: yes. Not counted in ClinVar's aggregate classification.

Inherited Neuropathy Consortium
Classification: Uncertain significance for Charcot-Marie-Tooth disease. Review status: no assertion criteria provided. Collection method: literature only. Allele origin: germline. Affected: yes. Not counted in ClinVar's aggregate classification.

Literature cited by the submitters: PubMed 224645664 (cited by Labcorp Genetics (formerly Invitae), Labcorp); PubMed 7477983 (cited by Labcorp Genetics (formerly Invitae), Labcorp); PubMed 9364054 (cited by Labcorp Genetics (formerly Invitae), Labcorp); PubMed 22464564 (cited by 3 submitters); PubMed 27088055 (cited by Labcorp Genetics (formerly Invitae), Labcorp); PubMed 27804109 (cited by Labcorp Genetics (formerly Invitae), Labcorp).